The following is an entry in ClinVar:

ClinVar aggregate classification (germline): Uncertain significance. Review status: criteria provided, multiple submitters, no conflicts (2 of 4 stars). 2 submissions from 2 submitters: Uncertain significance (2). Last evaluated 2024-05-01.

Conditions:
Inborn genetic diseases. Identifiers: MedGen C0950123, MeSH D030342.

Allele frequency attached by ClinVar (database versions not stated): gnomAD 0.00001; TOPMed 0.00003.
gnomAD v4.1: 42 of 1,592,076 alleles (0.0026%); highest among the groups gnomAD compares: Non-Finnish European, 0.0034%; no homozygotes.

Submissions (2):

Ambry Genetics
Classification: Uncertain significance for Inborn genetic diseases. Last evaluated: 2024-05-01. Review status: criteria provided, single submitter. Criteria: Ambry Variant Classification Scheme 2023. Collection method: clinical testing. Allele origin: germline.

Labcorp Genetics (formerly Invitae), Labcorp
Classification: Uncertain significance. Last evaluated: 2024-02-16. Review status: criteria provided, single submitter. Criteria: Invitae Variant Classification Sherloc (09022015). Collection method: clinical testing. Allele origin: germline.
Comment: This sequence change replaces threonine, which is neutral and polar, with serine, which is neutral and polar, at codon 921 of the CACNA2D4 protein (p.Thr921Ser). This variant is not present in population databases (gnomAD no frequency). This variant has not been reported in the literature in individuals affected with CACNA2D4-related conditions. ClinVar contains an entry for this variant (Variation ID: 2070281). Algorithms developed to predict the effect of missense changes on protein structure and function output the following: SIFT: "Not Available"; PolyPhen-2: "Benign"; Align-GVGD: "Not Available". The serine amino acid residue is found in multiple mammalian species, which suggests that this missense change does not adversely affect protein function. In summary, the available evidence is currently insufficient to determine the role of this variant in disease. Therefore, it has been classified as a Variant of Uncertain Significance.

NM_172364.5(CACNA2D4):c.2762C>G (p.Thr921Ser)

Gene: CACNA2D4 (calcium voltage-gated channel auxiliary subunit alpha2delta 4; minus strand). Cytogenetic location: 12p13.33.
Variant type: single nucleotide variant.
Coding change: c.2762C>G on transcript NM_172364.5 (MANE Select); coding-DNA position 2762, C replaced by G.
Protein change: p.Thr921Ser; replaces threonine 921 with serine.
Molecular consequence: missense variant.
Genome position (GRCh38, 1-based): chr12:1,801,604, G>C on the plus strand (C>G on the coding strand, the complement: CACNA2D4 is on the minus strand). VCF-style: chr12-1801604-G-C. GRCh37 (hg19) VCF-style: chr12-1910770-G-C.
Other names: c.2762C>G (NM_172364.4); short protein forms T921S.
Identifiers: ClinVar variation 2070281 (VCV002070281.5), dbSNP rs749464580, ClinGen allele CA231523846.
Genomic context (GRCh38, chr12:1,801,604, plus strand): 5'-TTGGACTGGGGAGGAGTGTGCCCCACTTACTGGCTGAACACCCCCATGCTGAGCAGCTGG[G>C]TCAGGACAGCACCATCCACCTCCCCCAGAAATCTTCCCGTCTGTGAGAGAGGGACAGCAG-3'
Protein context (NP_758952.4, residues 911-931): FLGEVDGAVL[Thr921Ser]QLLSMGVFSQ